The following is an entry in ClinVar:

ClinVar aggregate classification (germline): Likely pathogenic (1 of 4 stars; one submission).

Submission:

Labcorp Genetics (formerly Invitae), Labcorp
Classification: Likely pathogenic. Last evaluated: 2026-01-12. Review status: criteria provided, single submitter. Criteria: Invitae Variant Classification Sherloc (09022015). Collection method: clinical testing. Allele origin: germline.
Comment: This sequence change replaces glycine, which is neutral and non-polar, with valine, which is neutral and non-polar, at codon 1229 of the COL4A5 protein (p.Gly1229Val). This variant is not present in population databases (gnomAD no frequency). This variant has not been reported in the literature in individuals affected with COL4A5-related conditions. ClinVar contains an entry for this variant (Variation ID: 857172). Invitae Evidence Modeling of protein sequence and biophysical properties (such as structural, functional, and spatial information, amino acid conservation, physicochemical variation, residue mobility, and thermodynamic stability) indicates that this missense variant is expected to disrupt COL4A5 protein function with a positive predictive value of 95%. This variant disrupts the triple helix domain of COL4A5. Glycine residues within the Gly-Xaa-Yaa repeats of the triple helix domain are required for the structure and stability of fibrillar collagens (PMID: 7695699, 8218237, 19344236). In COL4A5, missense variants at these glycine residues are significantly enriched in individuals with disease (PMID: 23720012, 27627812) compared to the general population (ExAC). This variant disrupts the p.Gly1229 amino acid residue in COL4A5. Other variant(s) that disrupt this residue have been observed in individuals with COL4A5-related conditions (PMID: 10684360, 28542346), which suggests that this may be a clinically significant amino acid residue. In summary, the currently available evidence indicates that the variant is pathogenic, but additional data are needed to prove that conclusively. Therefore, this variant has been classified as Likely Pathogenic.

Literature cited by the submitters: PubMed 7695699; PubMed 8218237; PubMed 19344236; PubMed 23720012; PubMed 27627812; PubMed 10684360; PubMed 28542346.

NM_033380.3(COL4A5):c.3686G>T (p.Gly1229Val)

Gene: COL4A5 (collagen type IV alpha 5 chain; plus strand). Cytogenetic location: Xq22.3.
Variant type: single nucleotide variant.
Coding change: c.3686G>T on transcript NM_033380.3 (MANE Select); coding-DNA position 3686, G replaced by T.
Protein change: p.Gly1229Val; replaces glycine 1229 with valine.
Molecular consequence: missense variant.
Genome position (GRCh38, 1-based): chrX:108,668,400, G>T. VCF-style: chrX-108668400-G-T. GRCh37 (hg19) VCF-style: chrX-107911630-G-T.
Other names: c.3686G>T, p.Gly1229Val (NM_000495.5); short protein forms G1229V.
Identifiers: ClinVar variation 857172 (VCV000857172.9), dbSNP rs104886253, ClinGen allele CA413848741.
Genomic context (GRCh38, chrX:108,668,400, plus strand): 5'-TACCTGGGATTCCAGGAAATCCTGGCCTTCCAGGTCCAAAGGGCGAACCAGGCTTTCACG[G>T]TTTCCCTGGTGTGCAGGGTCCCCCAGGCCCTCCTGGTTCTCCGGGTCCAGCTCTGGAAGG-3'
Protein context (NP_203699.1, residues 1219-1239): PGPKGEPGFH[Gly1229Val]FPGVQGPPGP